The following is an entry in ClinVar:

NM_006885.4(ZFHX3):c.2337G>A (p.Ala779=)

Gene: ZFHX3 (zinc finger homeobox 3; minus strand). Cytogenetic location: 16q22.3.
Variant type: single nucleotide variant.
Coding change: c.2337G>A on transcript NM_006885.4 (MANE Select); coding-DNA position 2337, G replaced by A.
Protein change: p.Ala779=; no amino-acid change (alanine 779 retained).
Molecular consequence: synonymous variant. On other transcripts: intron variant (1).
Genome position (GRCh38, 1-based): chr16:72,957,809, C>T on the plus strand (G>A on the coding strand, the complement: ZFHX3 is on the minus strand). VCF-style: chr16-72957809-C-T. GRCh37 (hg19) VCF-style: chr16-72991708-C-T.
Other names: c.2337G>A, p.Ala779= (NM_001386735.1); c.-23-6844G>A (NM_001164766.2).
Identifiers: ClinVar variation 4084678 (VCV004084678.8).
Genomic context (GRCh38, chr16:72,957,809, plus strand): 5'-TTTTGGTTTGGTCGGCGAGGGGGCCCCGCAGGAGCTACTGATATTGGCTGCCGCCGCCGC[C>T]GCAGCCACCGCCGCCGCCGCCGCCCCGGCAGTGTGGCTGAAGACCTGCTCCCCCCCTCCA-3'
Protein context (NP_008816.3, residues 769-789): TAGAAAAAVA[Ala779=]AAAAANISSS

ClinVar aggregate classification (germline): Likely benign (1 of 4 stars; one submission).

gnomAD v4.1: 36 of 1,589,864 alleles (0.0023%); highest among the groups gnomAD compares: Admixed American, 0.0084%; no homozygotes.

Submission:

CeGaT Center for Human Genetics Tuebingen
Classification: Likely benign. Last evaluated: 2025-07-01. Review status: criteria provided, single submitter. Criteria: CeGaT Center For Human Genetics Tuebingen Variant Classification Criteria Version 2. Collection method: clinical testing. Allele origin: germline. Affected: yes. Observed: 1 variant allele.
Comment: ZFHX3: BP4, BP7